The following is an entry in ClinVar:

ClinVar aggregate classification (germline): Pathogenic. Review status: criteria provided, multiple submitters, no conflicts (2 of 4 stars). 2 submissions from 2 submitters: Pathogenic (2). Last evaluated 2022-05-27.

Conditions:
Hereditary breast ovarian cancer syndrome. Also called: Hereditary breast and ovarian cancer; Hereditary breast and ovarian cancer syndrome; BRCA1- and BRCA2-Associated Hereditary Breast and Ovarian Cancer; Hereditary breast and ovarian cancer syndrome (HBOC); Breast and ovarian cancer; Hereditary breast and/or ovarian cancer syndrome. Identifiers: Orphanet 145, MedGen C0677776, MeSH D061325, MONDO:0003582. Disease mechanism: loss of function.

Submissions (2):

Clinical Genetics Laboratory, Skane University Hospital Lund
Classification: Pathogenic. Last evaluated: 2022-05-27. Review status: criteria provided, single submitter. Criteria: ACMG Guidelines, 2015. Collection method: clinical testing. Allele origin: germline. Affected: yes.

Labcorp Genetics (formerly Invitae), Labcorp
Classification: Pathogenic for Hereditary breast ovarian cancer syndrome. Last evaluated: 2018-12-09. Review status: criteria provided, single submitter. Criteria: Invitae Variant Classification Sherloc (09022015). Collection method: clinical testing. Allele origin: germline.
Comment: For these reasons, this variant has been classified as Pathogenic. Loss-of-function variants in BRCA2 are known to be pathogenic (PMID: 20104584). This variant has not been reported in the literature in individuals with BRCA2-related disease. This variant is not present in population databases (ExAC no frequency). This sequence change creates a premature translational stop signal (p.Lys1367Ilefs*13) in the BRCA2 gene. It is expected to result in an absent or disrupted protein product.

Literature cited by the submitters: PubMed 20104584 (cited by Labcorp Genetics (formerly Invitae), Labcorp).

NM_000059.4(BRCA2):c.4100_4104del (p.Lys1367fs)

Gene: BRCA2 (BRCA2 DNA repair associated; plus strand). Cytogenetic location: 13q13.1.
Variant type: Deletion.
Coding change: c.4100_4104del on transcript NM_000059.4 (MANE Select); coding-DNA positions 4100 to 4104, 5 bases deleted (AATTA; older notation c.4100_4104delAATTA).
Protein change: p.Lys1367fs; shifts the reading frame from lysine 1367.
Molecular consequence: frameshift variant.
Genome position (GRCh38, 1-based): chr13:32,338,455-32,338,459, AATTA deleted; deleting any 5 consecutive bases within chr13:32,338,452-32,338,459 gives the same sequence; the c. name uses the placement nearest the transcript's 3' end. VCF-style (leftmost placement, unchanged base first): chr13-32338451-CTTAAA-C. GRCh37 (hg19) VCF-style: chr13-32912588-CTTAAA-C.
Other names: c.4100_4104delAATTA (NM_000059.3); short protein forms K1367fs.
Identifiers: ClinVar variation 646304 (VCV000646304.8), dbSNP rs1593901403, ClinGen allele CA915948460.